The following is an entry in ClinVar:

ClinVar aggregate classification (germline): Conflicting classifications of pathogenicity. Review status: criteria provided, conflicting classifications (1 of 4 stars). 4 submissions from 4 submitters: Uncertain significance (3); Likely benign (1). Last evaluated 2025-04-07.

Conditions:
Hereditary breast ovarian cancer syndrome. Also called: Hereditary breast and ovarian cancer syndrome; Breast and ovarian cancer; Hereditary breast and ovarian cancer; Hereditary breast and/or ovarian cancer syndrome; Hereditary breast and ovarian cancer syndrome (HBOC); BRCA1- and BRCA2-Associated Hereditary Breast and Ovarian Cancer. Identifiers: Orphanet 145, MedGen C0677776, MeSH D061325, MONDO:0003582. Disease mechanism: loss of function.
Hereditary cancer-predisposing syndrome. Also called: Hereditary neoplastic syndrome; Tumor predisposition; Neoplastic Syndromes, Hereditary; Hereditary Cancer Syndrome. Identifiers: Orphanet 140162, MedGen C0027672, MeSH D009386, MONDO:0015356.

Submissions (4):

Color Diagnostics, LLC DBA Color Health
Classification: Uncertain significance for Hereditary cancer-predisposing syndrome. Last evaluated: 2025-04-07. Review status: criteria provided, single submitter. Criteria: ACMG Guidelines, 2015. Collection method: clinical testing. Allele origin: germline.
Comment: This missense variant replaces proline with arginine at codon 798 of the BRCA1 protein. Computational prediction suggests that this variant may not impact protein structure and function. To our knowledge, functional studies have not been reported for this variant. This variant has been reported in an individual affected with breast cancer (PMID: 30199306). This variant has not been identified in the general population by the Genome Aggregation Database (gnomAD). The available evidence is insufficient to determine the role of this variant in disease conclusively. Therefore, this variant is classified as a Variant of Uncertain Significance.

University of Washington Department of Laboratory Medicine, University of Washington
Classification: Likely benign for Hereditary cancer-predisposing syndrome. Last evaluated: 2023-03-23. Review status: criteria provided, single submitter. Criteria: Dines et al. (Genet Med. 2020). Collection method: curation. Allele origin: germline.
Comment: Missense variant in a coldspot region where missense variants are very unlikely to be pathogenic (PMID:31911673).

BRCA1 coldspot (exon 11 using historical exon numbering). Reclassification based on statistical prior probability

Labcorp Genetics (formerly Invitae), Labcorp
Classification: Uncertain significance for Hereditary breast ovarian cancer syndrome. Last evaluated: 2022-08-16. Review status: criteria provided, single submitter. Criteria: Invitae Variant Classification Sherloc (09022015). Collection method: clinical testing. Allele origin: germline.
Comment: ClinVar contains an entry for this variant (Variation ID: 570578). In summary, the available evidence is currently insufficient to determine the role of this variant in disease. Therefore, it has been classified as a Variant of Uncertain Significance. Advanced modeling of protein sequence and biophysical properties (such as structural, functional, and spatial information, amino acid conservation, physicochemical variation, residue mobility, and thermodynamic stability) performed at Invitae indicates that this missense variant is not expected to disrupt BRCA1 protein function. This missense change has been observed in individual(s) with breast cancer (PMID: 30199306). This variant is not present in population databases (gnomAD no frequency). This sequence change replaces proline, which is neutral and non-polar, with arginine, which is basic and polar, at codon 798 of the BRCA1 protein (p.Pro798Arg).

Ambry Genetics
Classification: Uncertain significance for Hereditary cancer-predisposing syndrome. Last evaluated: 2020-09-24. Review status: criteria provided, single submitter. Criteria: Ambry Variant Classification Scheme 2023. Collection method: clinical testing. Allele origin: germline.
Comment: The p.P798R variant (also known as c.2393C>G), located in coding exon 9 of the BRCA1 gene, results from a C to G substitution at nucleotide position 2393. The proline at codon 798 is replaced by arginine, an amino acid with dissimilar properties. This amino acid position is not well conserved in available vertebrate species. In addition, the in silico prediction for this alteration is inconclusive. Since supporting evidence is limited at this time, the clinical significance of this alteration remains unclear.

Literature cited by the submitters: PubMed 30199306 (cited by 3 submitters).

NM_007294.4(BRCA1):c.2393C>G (p.Pro798Arg)

Gene: BRCA1 (BRCA1 DNA repair associated; minus strand). Cytogenetic location: 17q21.31.
Variant type: single nucleotide variant.
Coding change: c.2393C>G on transcript NM_007294.4 (MANE Select); coding-DNA position 2393, C replaced by G.
Protein change: p.Pro798Arg; replaces proline 798 with arginine.
Molecular consequence: missense variant. On other transcripts: intron variant (137).
Genome position (GRCh38, 1-based): chr17:43,093,138, G>C on the plus strand (C>G on the coding strand, the complement: BRCA1 is on the minus strand). VCF-style: chr17-43093138-G-C. GRCh37 (hg19) VCF-style: chr17-41245155-G-C.
Other names: c.2252C>G, p.Pro751Arg (NM_007297.4, NM_001407692.1, NM_001407694.1 and 29 more transcripts); c.784+1606C>G (NM_001408400.1, NM_001407972.1, NM_001408392.1 and 13 more transcripts); c.787+1606C>G (NM_001407979.1, NM_001407977.1, NM_001407980.1 and 17 more transcripts); c.709+1606C>G (NM_001408415.1, NM_001408412.1, NM_001408409.1 and 2 more transcripts); c.577+1606C>G (NM_001408483.1, NM_001408481.1, NM_001408480.1 and 9 more transcripts); c.664+1606C>G (NM_001408441.1, NM_001408437.1, NM_001408429.1 and 12 more transcripts); c.646+1606C>G (NM_001408410.1, NM_001408469.1, NM_001408458.1 and 11 more transcripts); c.2393C>G, p.Pro798Arg (NM_007300.4, NM_001407581.1, NM_001407582.1 and 30 more transcripts); and 41 more; short protein forms P798R, P751R, P686R, P709R, P728R, P687R, P731R, P750R.
Identifiers: ClinVar variation 570578 (VCV000570578.16), dbSNP rs876660005, ClinGen allele CA10597222.
Genomic context (GRCh38, chr17:43,093,138, plus strand): 5'-CAACCATGAATTAGTCCCTTGGGGTTTTCAAATGCTGCACACTGACTCACACATTTATTT[G>C]GTTCTGTTTTTGCCTTCCCTAGAGTGCTAACTTCCAGTAACGAGATACTTTCCTGAGTGC-3'
Protein context (NP_009225.1, residues 788-808): VSTLGKAKTE[Pro798Arg]NKCVSQCAAF